The following is an entry in ClinVar:

ClinVar aggregate classification (germline): Uncertain significance. Review status: criteria provided, multiple submitters, no conflicts (2 of 4 stars). 2 submissions from 2 submitters: Uncertain significance (2). Last evaluated 2025-04-12.

Conditions:
Inborn genetic diseases. Identifiers: MedGen C0950123, MeSH D030342.
Multiple acyl-CoA dehydrogenase deficiency (MADD). Also called: Glutaric aciduria, type 2; Glutaric acidemia type II; GA 2; ETHYLMALONIC-ADIPICACIDURIA; GA II; Glutaric Acidemia type 2. Identifiers: Orphanet 26791, MedGen C0268596, MONDO:0009282, OMIM 231680.

Allele frequency attached by ClinVar (database versions not stated): gnomAD exomes below 0.00001; TOPMed below 0.00001; ExAC 0.00003.
gnomAD v4.1: 2 of 1,605,132 alleles (0.00012%); highest among the groups gnomAD compares: East Asian, 0.0045%; no homozygotes.

Submissions (2):

Ambry Genetics
Classification: Uncertain significance for Inborn genetic diseases. Last evaluated: 2025-04-12. Review status: criteria provided, single submitter. Criteria: Ambry Variant Classification Scheme 2023. Collection method: clinical testing. Allele origin: germline.

Labcorp Genetics (formerly Invitae), Labcorp
Classification: Uncertain significance for Multiple acyl-CoA dehydrogenase deficiency. Last evaluated: 2022-07-12. Review status: criteria provided, single submitter. Criteria: Invitae Variant Classification Sherloc (09022015). Collection method: clinical testing. Allele origin: germline.
Comment: This sequence change replaces cysteine, which is neutral and slightly polar, with serine, which is neutral and polar, at codon 15 of the ETFDH protein (p.Cys15Ser). This variant is present in population databases (rs768442787, gnomAD 0.03%). This variant has not been reported in the literature in individuals affected with ETFDH-related conditions. Advanced modeling of protein sequence and biophysical properties (such as structural, functional, and spatial information, amino acid conservation, physicochemical variation, residue mobility, and thermodynamic stability) performed at Invitae indicates that this missense variant is not expected to disrupt ETFDH protein function. In summary, the available evidence is currently insufficient to determine the role of this variant in disease. Therefore, it has been classified as a Variant of Uncertain Significance.

NM_004453.4(ETFDH):c.43T>A (p.Cys15Ser)

Gene: ETFDH (electron transfer flavoprotein dehydrogenase; plus strand). Cytogenetic location: 4q32.1.
Variant type: single nucleotide variant.
Coding change: c.43T>A on transcript NM_004453.4 (MANE Select); coding-DNA position 43, T replaced by A.
Protein change: p.Cys15Ser; replaces cysteine 15 with serine.
Molecular consequence: missense variant. On other transcripts: intron variant (1).
Genome position (GRCh38, 1-based): chr4:158,680,475, T>A. VCF-style: chr4-158680475-T-A. GRCh37 (hg19) VCF-style: chr4-159601627-T-A.
Other names: c.35-1720T>A (NM_001281737.2); c.43T>A (NM_004453.2); short protein forms C15S.
Identifiers: ClinVar variation 1905518 (VCV001905518.3), dbSNP rs768442787, ClinGen allele CA3122274.